The following is an entry in ClinVar:

NM_000384.3(APOB):c.7631G>C (p.Ser2544Thr)

Gene: APOB (apolipoprotein B; minus strand). Cytogenetic location: 2p24.1.
Variant type: single nucleotide variant.
Coding change: c.7631G>C on transcript NM_000384.3 (MANE Select); coding-DNA position 7631, G replaced by C.
Protein change: p.Ser2544Thr; replaces serine 2544 with threonine.
Molecular consequence: missense variant.
Genome position (GRCh38, 1-based): chr2:21,009,237, C>G on the plus strand (G>C on the coding strand, the complement: APOB is on the minus strand). VCF-style: chr2-21009237-C-G. GRCh37 (hg19) VCF-style: chr2-21232109-C-G.
Other names: short protein forms S2544T.
Identifiers: ClinVar variation 1422490 (VCV001422490.8), dbSNP rs2103355351, ClinGen allele CA345996699.

ClinVar aggregate classification (germline): Uncertain significance (1 of 4 stars; one submission).

Conditions:
Familial hypobetalipoproteinemia 1. Also called: APOB-Related Familial Hypobetalipoproteinemia; Hypobetalipoproteinemia, normotriglyceridemic; Acanthocytosis with hypobetalipoproteinemia. Identifiers: MedGen C4551990, MONDO:0014252, OMIM 615558.
Hypercholesterolemia, autosomal dominant, type B (FHCL2). Also called: Familial Hypercholesterolemia Type B; APOLIPOPROTEIN B-100, FAMILIAL DEFECTIVE; APOLIPOPROTEIN B-100, FAMILIAL LIGAND-DEFECTIVE; HYPERCHOLESTEROLEMIA, FAMILIAL, DUE TO LIGAND-DEFECTIVE APOLIPOPROTEIN B; Familial hypercholesterolemia 2; Hyperlipoproteinemia Type IIb. Identifiers: MedGen C1704417, MONDO:0007751, OMIM 144010.

Submission:

Labcorp Genetics (formerly Invitae), Labcorp
Classification: Uncertain significance for Familial hypobetalipoproteinemia 1; Hypercholesterolemia, autosomal dominant, type B. Last evaluated: 2020-12-29. Review status: criteria provided, single submitter. Criteria: Invitae Variant Classification Sherloc (09022015). Collection method: clinical testing. Allele origin: germline.
Comment: In summary, the available evidence is currently insufficient to determine the role of this variant in disease. Therefore, it has been classified as a Variant of Uncertain Significance. Algorithms developed to predict the effect of missense changes on protein structure and function (SIFT, PolyPhen-2, Align-GVGD) all suggest that this variant is likely to be tolerated, but these predictions have not been confirmed by published functional studies and their clinical significance is uncertain. This variant has not been reported in the literature in individuals with APOB-related conditions. This variant is not present in population databases (ExAC no frequency). This sequence change replaces serine with threonine at codon 2544 of the APOB protein (p.Ser2544Thr). The serine residue is moderately conserved and there is a small physicochemical difference between serine and threonine.